The following is an entry in ClinVar:

NM_004055.5(CAPN5):c.940G>C (p.Gly314Arg)

Gene: CAPN5 (calpain 5; plus strand). Cytogenetic location: 11q13.5.
Variant type: single nucleotide variant.
Coding change: c.940G>C on transcript NM_004055.5 (MANE Select); coding-DNA position 940, G replaced by C.
Protein change: p.Gly314Arg; replaces glycine 314 with arginine.
Molecular consequence: missense variant. On other transcripts: non-coding transcript variant (1).
Genome position (GRCh38, 1-based): chr11:77,116,272, G>C. VCF-style: chr11-77116272-G-C. GRCh37 (hg19) VCF-style: chr11-76827318-G-C.
Other names: c.1060G>C, p.Gly354Arg (NM_001425321.1); c.940G>C, p.Gly314Arg (NM_001425322.1); c.808G>C, p.Gly270Arg (NM_001425323.1); short protein forms G314R, G270R, G354R.
Identifiers: ClinVar variation 3652214 (VCV003652214.2).

ClinVar aggregate classification (germline): Uncertain significance (1 of 4 stars; one submission).

Submission:

Labcorp Genetics (formerly Invitae), Labcorp
Classification: Uncertain significance. Last evaluated: 2024-05-11. Review status: criteria provided, single submitter. Criteria: Invitae Variant Classification Sherloc (09022015). Collection method: clinical testing. Allele origin: germline.
Comment: This sequence change replaces glycine, which is neutral and non-polar, with arginine, which is basic and polar, at codon 314 of the CAPN5 protein (p.Gly314Arg). This variant is not present in population databases (gnomAD no frequency). This variant has not been reported in the literature in individuals affected with CAPN5-related conditions. Advanced modeling of protein sequence and biophysical properties (such as structural, functional, and spatial information, amino acid conservation, physicochemical variation, residue mobility, and thermodynamic stability) performed at Invitae indicates that this missense variant is not expected to disrupt CAPN5 protein function with a negative predictive value of 80%. In summary, the available evidence is currently insufficient to determine the role of this variant in disease. Therefore, it has been classified as a Variant of Uncertain Significance.